The following is an entry in ClinVar:

NM_000170.3(GLDC):c.861+10C>T

Gene: GLDC (glycine decarboxylase; minus strand). Cytogenetic location: 9p24.1.
Variant type: single nucleotide variant.
Coding change: c.861+10C>T on transcript NM_000170.3 (MANE Select); 10 bases into the intron after coding-DNA position 861, C replaced by T.
Molecular consequence: intron variant.
Genome position (GRCh38, 1-based): chr9:6,605,121, G>A on the plus strand (C>T on the coding strand, the complement: GLDC is on the minus strand). VCF-style: chr9-6605121-G-A. GRCh37 (hg19) VCF-style: chr9-6605121-G-A.
Identifiers: ClinVar variation 769324 (VCV000769324.16), dbSNP rs565335444, ClinGen allele CA4980965.

ClinVar aggregate classification (germline): Benign/Likely benign. Review status: criteria provided, multiple submitters, no conflicts (2 of 4 stars). 5 submissions from 5 submitters: Benign (2); Likely benign (1). 2 of the submissions do not count toward it. Last evaluated 2026-02-02.

Conditions:
GLDC-related disorder. Also called: GLDC-related condition.
Glycine encephalopathy. Also called: Non-ketotic hyperglycinemia; Nonketotic hyperglycinemia. Identifiers: Orphanet 407, MedGen C0751748, MONDO:0011612, HP:0008288.

Allele frequency attached by ClinVar (database versions not stated): gnomAD 0.00001 and 0.00013; TOPMed 0.00003; gnomAD exomes 0.00025 and 0.00057; ExAC 0.00061; 1000 Genomes Project 30x 0.00078; 1000 Genomes Project 0.00100.
gnomAD v4.1: 382 of 1,611,452 alleles (0.024%); highest among the groups gnomAD compares: South Asian, 0.4%; 5 homozygotes.

Submissions (5):

Labcorp Genetics (formerly Invitae), Labcorp
Classification: Benign for Glycine encephalopathy. Last evaluated: 2026-02-02. Review status: criteria provided, single submitter. Criteria: Invitae Variant Classification Sherloc (09022015). Collection method: clinical testing. Allele origin: germline.

Blueprint Genetics
Classification: Likely benign. Last evaluated: 2024-11-25. Review status: criteria provided, single submitter. Criteria: ACMG Guidelines, 2015. Collection method: clinical testing. Allele origin: germline.

Athena Diagnostics
Classification: Benign. Last evaluated: 2024-02-22. Review status: criteria provided, single submitter. Criteria: Athena Diagnostics Criteria. Collection method: clinical testing. Allele origin: unknown.

Natera, Inc.
Classification: Benign for Non-ketotic hyperglycinemia. Last evaluated: 2020-04-13. Review status: no assertion criteria provided. Collection method: clinical testing. Allele origin: germline. Not counted in ClinVar's aggregate classification.

PreventionGenetics, part of Exact Sciences
Classification: Likely benign for GLDC-related condition. Last evaluated: 2019-04-03. Review status: no assertion criteria provided. Collection method: clinical testing. Allele origin: germline. Not counted in ClinVar's aggregate classification.
Comment: This variant is classified as likely benign based on ACMG/AMP sequence variant interpretation guidelines (Richards et al. 2015 PMID: 25741868, with internal and published modifications).